The following is an entry in ClinVar:

ClinVar aggregate classification (germline): Uncertain significance. Review status: criteria provided, multiple submitters, no conflicts (2 of 4 stars). 4 submissions from 4 submitters: Uncertain significance (4). Last evaluated 2024-11-06.

Conditions:
Inborn genetic diseases. Identifiers: MedGen C0950123, MeSH D030342.

Allele frequency attached by ClinVar (database versions not stated): ESP Exome Variant Server 0.00008; gnomAD 0.00014 and 0.00016; gnomAD exomes 0.00022 and 0.00036; TOPMed 0.00024; 1000 Genomes Project 30x 0.00031; ExAC 0.00035; 1000 Genomes Project 0.00040.
gnomAD v4.1: 350 of 1,613,986 alleles (0.022%); highest among the groups gnomAD compares: South Asian, 0.12%; 3 homozygotes.

Submissions (4):

Blueprint Genetics
Classification: Uncertain significance. Last evaluated: 2024-11-06. Review status: criteria provided, single submitter. Criteria: ACMG Guidelines, 2015. Collection method: clinical testing. Allele origin: germline.

Labcorp Genetics (formerly Invitae), Labcorp
Classification: Uncertain significance. Last evaluated: 2022-10-05. Review status: criteria provided, single submitter. Criteria: Invitae Variant Classification Sherloc (09022015). Collection method: clinical testing. Allele origin: germline.
Comment: This sequence change replaces arginine, which is basic and polar, with cysteine, which is neutral and slightly polar, at codon 653 of the GRM6 protein (p.Arg653Cys). This variant is present in population databases (rs140491408, gnomAD 0.1%). This variant has not been reported in the literature in individuals affected with GRM6-related conditions. ClinVar contains an entry for this variant (Variation ID: 841047). Advanced modeling of protein sequence and biophysical properties (such as structural, functional, and spatial information, amino acid conservation, physicochemical variation, residue mobility, and thermodynamic stability) performed at Invitae indicates that this missense variant is not expected to disrupt GRM6 protein function. In summary, the available evidence is currently insufficient to determine the role of this variant in disease. Therefore, it has been classified as a Variant of Uncertain Significance.

Ambry Genetics
Classification: Uncertain significance for Inborn genetic diseases. Last evaluated: 2021-06-18. Review status: criteria provided, single submitter. Criteria: Ambry Variant Classification Scheme 2023. Collection method: clinical testing. Allele origin: germline.

Breakthrough Genomics
Classification: Uncertain significance. Review status: criteria provided, single submitter. Criteria: ACMG Guidelines, 2015. Collection method: not provided. Allele origin: germline. Inheritance: Autosomal recessive inheritance. Affected: yes.

NM_000843.4(GRM6):c.1957C>T (p.Arg653Cys)

Genes: GRM6 (glutamate metabotropic receptor 6; minus strand), ZNF454 (zinc finger protein 454; plus strand). Cytogenetic location: 5q35.3.
Variant type: single nucleotide variant.
Coding change: c.1957C>T on transcript NM_000843.4 (MANE Select); coding-DNA position 1957, C replaced by T.
Protein change: p.Arg653Cys; replaces arginine 653 with cysteine.
Molecular consequence: missense variant.
Genome position (GRCh38, 1-based): chr5:178,986,297, G>A on the plus strand (C>T on the coding strand, the complement: GRM6 is on the minus strand). VCF-style: chr5-178986297-G-A. GRCh37 (hg19) VCF-style: chr5-178413298-G-A.
Other names: short protein forms R653C.
Identifiers: ClinVar variation 841047 (VCV000841047.8), dbSNP rs140491408, ClinGen allele CA3593876.